The following is an entry in ClinVar:

NM_001035.3(RYR2):c.8831-9A>C

Gene: RYR2 (ryanodine receptor 2; plus strand). Cytogenetic location: 1q43.
Variant type: single nucleotide variant.
Coding change: c.8831-9A>C on transcript NM_001035.3 (MANE Select); 9 bases into the intron before coding-DNA position 8831, A replaced by C.
Molecular consequence: intron variant.
Genome position (GRCh38, 1-based): chr1:237,678,039, A>C. VCF-style: chr1-237678039-A-C. GRCh37 (hg19) VCF-style: chr1-237841339-A-C.
Other names: c.8831-9A>C (LRG_402t1).
Identifiers: ClinVar variation 282719 (VCV000282719.25), dbSNP rs187977513, ClinGen allele CA087746.

ClinVar aggregate classification (germline): Conflicting classifications of pathogenicity. Review status: criteria provided, conflicting classifications (1 of 4 stars). 10 submissions from 10 submitters: Uncertain significance (2); Benign (2); Likely benign (4). 2 of the submissions do not count toward it. Last evaluated 2025-12-24.

Conditions:
Catecholaminergic polymorphic ventricular tachycardia (CVPT). Also called: Catecholamine-induced polymorphic ventricular tachycardia. Identifiers: Orphanet 3286, MedGen C5574922, MONDO:0017990.
Cardiomyopathy (CMYO). Also called: Cardiomyopathies. Identifiers: Orphanet 167848, MedGen C0878544, MONDO:0004994, HP:0001638. Inheritance: Various modes of inheritance.
Catecholaminergic polymorphic ventricular tachycardia 1. Also called: RYR2-Related Catecholaminergic Polymorphic Ventricular Tachycardia; VENTRICULAR TACHYCARDIA, CATECHOLAMINERGIC POLYMORPHIC, 1, WITH OR WITHOUT ATRIAL DYSFUNCTION AND/OR DILATED CARDIOMYOPATHY; VENTRICULAR TACHYCARDIA, STRESS-INDUCED POLYMORPHIC 1. Identifiers: Orphanet 3286, MedGen C1631597, MONDO:0011484, OMIM 604772.
Left ventricular noncompaction cardiomyopathy. Also called: left ventricular non-compaction cardiomyopathy. Identifiers: MedGen C4021133, HP:0011664.
Abnormal trabecular meshwork morphology. Identifiers: MedGen C4022814, HP:0012630.
Abnormal heart morphology. Also called: Abnormality of cardiac morphology; Heart, malformation of. Identifiers: MedGen C0018798, MeSH D006330, HP:0001627.
Prolonged QTc interval. Identifiers: MedGen C1560305, HP:0005184.
Sinus bradycardia. Identifiers: MedGen C0085610, HP:0001688.
Ventricular hypertrophy. Identifiers: MedGen C0340279, HP:0001714.

Allele frequency attached by ClinVar (database versions not stated): gnomAD 0.00026 and 0.00027; ExAC 0.00033; ESP Exome Variant Server 0.00008; 1000 Genomes Project 30x 0.00016; 1000 Genomes Project 0.00020; gnomAD exomes 0.00024; TOPMed 0.00024.
gnomAD v4.1: 471 of 1,584,318 alleles (0.03%); highest among the groups gnomAD compares: Middle Eastern, 0.1%; 1 homozygote.

Submissions (10):

Labcorp Genetics (formerly Invitae), Labcorp
Classification: Likely benign for Catecholaminergic polymorphic ventricular tachycardia 1. Last evaluated: 2025-12-24. Review status: criteria provided, single submitter. Criteria: Invitae Variant Classification Sherloc (09022015). Collection method: clinical testing. Allele origin: germline.

Blueprint Genetics
Classification: Likely benign. Last evaluated: 2024-11-01. Review status: criteria provided, single submitter. Criteria: ACMG Guidelines, 2015. Collection method: clinical testing. Allele origin: germline.

All of Us Research Program, National Institutes of Health
Classification: Likely benign for Catecholaminergic polymorphic ventricular tachycardia. Last evaluated: 2024-02-05. Review status: criteria provided, single submitter. Criteria: ACMG Guidelines, 2015. Collection method: clinical testing. Allele origin: germline. Inheritance: Autosomal dominant inheritance. Observed: 81 variant alleles, 81 heterozygotes.
Comment: This study involves interpretation of variants in research participants for the purpose of population health screening. Participant phenotype was not available at the time of variant classification. Additional details can be found in publication PMID: 35346344, PMCID: PMC8962531

Women's Health and Genetics/Laboratory Corporation of America, LabCorp
Classification: Benign. Last evaluated: 2020-09-08. Review status: criteria provided, single submitter. Criteria: LabCorp Variant Classification Summary - May 2015. Collection method: clinical testing. Allele origin: germline.
Comment: Variant summary: RYR2 c.8831-9A>C alters a non-conserved nucleotide located close to a canonical splice site and therefore could affect mRNA splicing, leading to a significantly altered protein sequence. 4/4 computational tools predict no significant impact on normal splicing. However, these predictions have yet to be confirmed by functional studies. The variant allele was found at a frequency of 0.00024 in 242464 control chromosomes, predominantly at a frequency of 0.00042 within the Non-Finnish European subpopulation in the gnomAD database. The observed variant frequency within Non-Finnish European control individuals in the gnomAD database is approximately 12-fold of the estimated maximal expected allele frequency for a pathogenic variant in RYR2 causing Catecholaminergic Polymorphic Ventricular Tachycardia phenotype (3.4e-05), strongly suggesting that the variant is a benign polymorphism found primarily in populations of Non-Finnish European origin. To our knowledge, no occurrence of c.8831-9A>C in individuals affected with Catecholaminergic Polymorphic Ventricular Tachycardia and no experimental evidence demonstrating its impact on protein function have been reported. Three ClinVar submitters (evaluation after 2014) cite the variant as benign/likely benign while two ClinVar submitters (evaluation after 2014) cite it as uncertain significance. Based on the evidence outlined above, the variant was classified as benign.

Color Diagnostics, LLC DBA Color Health
Classification: Likely benign for Cardiomyopathy. Last evaluated: 2018-09-04. Review status: criteria provided, single submitter. Criteria: ACMG Guidelines, 2015. Collection method: clinical testing. Allele origin: germline.

Centre for Mendelian Genomics, University Medical Centre Ljubljana
Classification: Uncertain significance for Abnormal heart morphology; Abnormal trabecular meshwork morphology; Left ventricular noncompaction cardiomyopathy; Prolonged QTc interval; Sinus bradycardia; Ventricular hypertrophy. Last evaluated: 2017-01-01. Review status: criteria provided, single submitter. Criteria: ACMG Guidelines, 2015. Collection method: clinical testing. Allele origin: unknown. Affected: yes.

GeneDx
Classification: Benign. Last evaluated: 2015-11-17. Review status: criteria provided, single submitter. Criteria: GeneDx Variant Classification (06012015). Collection method: clinical testing. Allele origin: germline. Affected: yes.
Comment: This variant is considered likely benign or benign based on one or more of the following criteria: it is a conservative change, it occurs at a poorly conserved position in the protein, it is predicted to be benign by multiple in silico algorithms, and/or has population frequency not consistent with disease.

Eurofins Ntd Llc (ga)
Classification: Uncertain significance. Last evaluated: 2015-08-27. Review status: criteria provided, single submitter. Criteria: EGL Classification Definitions 2015. Collection method: clinical testing. Allele origin: germline. Observed: 1 variant allele, 1 heterozygote.

Clinical Genetics, Academic Medical Center
Classification: Benign. Review status: no assertion criteria provided. Collection method: clinical testing. Allele origin: germline. Affected: yes. Study: VKGL Data-share Consensus. Not counted in ClinVar's aggregate classification.

Genome Diagnostics Laboratory, University Medical Center Utrecht
Classification: Likely benign. Review status: no assertion criteria provided. Collection method: clinical testing. Allele origin: germline. Affected: yes. Study: VKGL Data-share Consensus. Not counted in ClinVar's aggregate classification.